The following is an entry in ClinVar:

NM_000548.5(TSC2):c.5293C>T (p.Leu1765=)

Gene: TSC2 (TSC complex subunit 2; plus strand). Cytogenetic location: 16p13.3.
Variant type: single nucleotide variant.
Coding change: c.5293C>T on transcript NM_000548.5 (MANE Select); coding-DNA position 5293, C replaced by T.
Protein change: p.Leu1765=; no amino-acid change (leucine 1765 retained).
Molecular consequence: synonymous variant.
Genome position (GRCh38, 1-based): chr16:2,088,479, C>T. VCF-style: chr16-2088479-C-T. GRCh37 (hg19) VCF-style: chr16-2138480-C-T.
Other names: c.5092C>T, p.Leu1698= (NM_001077183.3); c.5224C>T, p.Leu1742= (NM_001114382.3); c.4984C>T, p.Leu1662= (NM_001318827.2); c.4948C>T, p.Leu1650= (NM_001318829.2); c.4561C>T, p.Leu1521= (NM_001318831.2); c.5125C>T, p.Leu1709= (NM_001318832.2); c.5095C>T, p.Leu1699= (NM_001363528.2); c.5161C>T, p.Leu1721= (NM_001370404.1); and 2 more.
Identifiers: ClinVar variation 1141180 (VCV001141180.15), dbSNP rs1060500954, ClinGen allele CA493043675.

ClinVar aggregate classification (germline): Conflicting classifications of pathogenicity. Review status: criteria provided, conflicting classifications (1 of 4 stars). 6 submissions from 6 submitters: Uncertain significance (3); Benign (1); Likely benign (2). Last evaluated 2026-03-18.

Conditions:
Tuberous sclerosis syndrome (TSC). Also called: Tuberous Sclerosis Complex; Tuberous sclerosis. Identifiers: Orphanet 805, MedGen C0041341, MONDO:0001734.
Tuberous sclerosis 2 (TSC2). Identifiers: Orphanet 805, MedGen C1860707, MONDO:0013199, OMIM 613254.
Hereditary cancer-predisposing syndrome. Also called: Neoplastic Syndromes, Hereditary; Hereditary Cancer Syndrome; Hereditary neoplastic syndrome; Tumor predisposition. Identifiers: Orphanet 140162, MedGen C0027672, MeSH D009386, MONDO:0015356.

Submissions (6):

Dasa
Classification: Uncertain significance for Tuberous sclerosis 2. Last evaluated: 2026-03-18. Review status: criteria provided, single submitter. Criteria: DASA Assertion Criteria. Collection method: clinical testing. Allele origin: germline.
Comment: NM_000548.5(TSC2):c.5293C>T (p.Leu1765=) is a synonymous variant predicted not to alter the encoded amino acid sequence. This variant is rare in population databases. Computational prediction algorithms are consistent with a deleterious effect. The currently available literature and clinical evidence are not sufficient to establish a definitive association between this variant and the reported condition. Therefore, this variant is classified as a variant of uncertain significance.

Labcorp Genetics (formerly Invitae), Labcorp
Classification: Likely benign for Tuberous sclerosis 2. Last evaluated: 2025-11-17. Review status: criteria provided, single submitter. Criteria: Invitae Variant Classification Sherloc (09022015). Collection method: clinical testing. Allele origin: germline.

Myriad Genetics, Inc.
Classification: Benign for Tuberous sclerosis 2. Last evaluated: 2025-06-06. Review status: criteria provided, single submitter. Criteria: Myriad Autosomal Dominant, Autosomal Recessive and X-Linked Classification Criteria (2023). Collection method: clinical testing. Allele origin: unknown.
Comment: This variant is considered benign. This variant is a silent/synonymous amino acid change and it is not expected to impact splicing.

All of Us Research Program, National Institutes of Health
Classification: Uncertain significance for Tuberous sclerosis syndrome. Last evaluated: 2024-02-05. Review status: criteria provided, single submitter. Criteria: ACMG Guidelines, 2015. Collection method: clinical testing. Allele origin: germline. Inheritance: Autosomal dominant inheritance. Observed: 1 variant allele, 1 heterozygote.
Comment: This is a synonymous variant located at codon 1765 of the TSC2 protein. Splice site prediction tools suggest that this variant may impact RNA splicing. To our knowledge, RNA studies have not been reported for this variant. This variant has not been reported in individuals affected with TSC2-related disorders in the literature. This variant has not been identified in the general population by the Genome Aggregation Database (gnomAD). The available evidence is insufficient to determine the role of this variant in disease conclusively. Therefore, this variant is classified as a Variant of Uncertain Significance.

This study involves interpretation of variants in research participants for the purpose of population health screening. Participant phenotype was not available at the time of variant classification. Additional details can be found in publication PMID: 35346344, PMCID: PMC8962531

GeneDx
Classification: Uncertain significance. Last evaluated: 2022-02-10. Review status: criteria provided, single submitter. Criteria: GeneDx Variant Classification Process June 2021. Collection method: clinical testing. Allele origin: germline. Affected: yes.
Comment: Not observed at significant frequency in large population cohorts (gnomAD); In silico analysis, which includes splice predictors and evolutionary conservation, suggests this variant may impact gene splicing. In the absence of RNA/functional studies, the actual effect of this sequence change is unknown.; Has not been previously published as pathogenic or benign to our knowledge

Ambry Genetics
Classification: Likely benign for Hereditary cancer-predisposing syndrome. Last evaluated: 2021-01-16. Review status: criteria provided, single submitter. Criteria: Ambry Variant Classification Scheme 2023. Collection method: clinical testing. Allele origin: germline.